The following is an entry in ClinVar:

NM_020347.4(LZTFL1):c.55C>A (p.Arg19Ser)

Gene: LZTFL1 (leucine zipper transcription factor like 1; minus strand). Cytogenetic location: 3p21.31.
Variant type: single nucleotide variant.
Coding change: c.55C>A on transcript NM_020347.4 (MANE Select); coding-DNA position 55, C replaced by A.
Protein change: p.Arg19Ser; replaces arginine 19 with serine.
Molecular consequence: missense variant. On other transcripts: intron variant (1).
Genome position (GRCh38, 1-based): chr3:45,838,000, G>T on the plus strand (C>A on the coding strand, the complement: LZTFL1 is on the minus strand). VCF-style: chr3-45838000-G-T. GRCh37 (hg19) VCF-style: chr3-45879492-G-T.
Other names: c.55C>A (NM_020347.3, NM_020347.2); c.4C>A, p.Arg2Ser (NM_001276378.2, NM_001386451.1); c.55C>A, p.Arg19Ser (NM_001386452.1); c.117-2216C>A (NM_001276379.2); short protein forms R19S, R2S.
Identifiers: ClinVar variation 1400857 (VCV001400857.8), dbSNP rs759640480, ClinGen allele CA2352024.

ClinVar aggregate classification (germline): Uncertain significance. Review status: criteria provided, multiple submitters, no conflicts (2 of 4 stars). 6 submissions from 6 submitters: Uncertain significance (6). Last evaluated 2026-09-10.

Conditions:
LZTFL1-related disorder. Also called: LZTFL1-related condition.
Bardet-Biedl syndrome 17 (BBS17). Identifiers: Orphanet 110, MedGen C3714980, MONDO:0014445, OMIM 615994.
Inborn genetic diseases. Identifiers: MedGen C0950123, MeSH D030342.

gnomAD v4.1: 12 of 1,612,762 alleles (0.00074%); highest among the groups gnomAD compares: East Asian, 0.011%; no homozygotes.

Submissions (6):

PreventionGenetics, part of Exact Sciences
Classification: Uncertain significance for LZTFL1-related condition. Last evaluated: 2026-09-10. Review status: criteria provided, single submitter. Criteria: ACMG Guidelines, 2015. Collection method: clinical testing. Allele origin: germline.
Comment: The LZTFL1 c.55C>A variant is predicted to result in the amino acid substitution p.Arg19Ser. To our knowledge, this variant has not been reported in the literature. This variant is reported in 0.0055% of alleles in individuals of East Asian descent in gnomAD. At this time, the clinical significance of this variant is uncertain due to the absence of conclusive functional and genetic evidence.

Ambry Genetics
Classification: Uncertain significance for Inborn genetic diseases. Last evaluated: 2023-12-15. Review status: criteria provided, single submitter. Criteria: Ambry Variant Classification Scheme 2023. Collection method: clinical testing. Allele origin: germline.

New York Genome Center
Classification: Uncertain significance for Bardet-Biedl syndrome 17. Last evaluated: 2022-10-26. Review status: criteria provided, single submitter. Criteria: NYGC Assertion Criteria 2020. Collection method: clinical testing. Allele origin: germline. Observed: 2 heterozygotes. Clinical features observed: Hyperlipidemia (HP:0003077), Type 2 diabetes mellitus (HP:0005978).

Labcorp Genetics (formerly Invitae), Labcorp
Classification: Uncertain significance. Last evaluated: 2022-10-04. Review status: criteria provided, single submitter. Criteria: Invitae Variant Classification Sherloc (09022015). Collection method: clinical testing. Allele origin: germline.
Comment: This sequence change replaces arginine, which is basic and polar, with serine, which is neutral and polar, at codon 19 of the LZTFL1 protein (p.Arg19Ser). This variant is present in population databases (rs759640480, gnomAD no frequency). This variant has not been reported in the literature in individuals affected with LZTFL1-related conditions. ClinVar contains an entry for this variant (Variation ID: 1400857). Advanced modeling of protein sequence and biophysical properties (such as structural, functional, and spatial information, amino acid conservation, physicochemical variation, residue mobility, and thermodynamic stability) performed at Invitae indicates that this missense variant is not expected to disrupt LZTFL1 protein function. In summary, the available evidence is currently insufficient to determine the role of this variant in disease. Therefore, it has been classified as a Variant of Uncertain Significance.

Blueprint Genetics
Classification: Uncertain significance. Last evaluated: 2022-09-26. Review status: criteria provided, single submitter. Criteria: ACMG Guidelines, 2015. Collection method: clinical testing. Allele origin: germline.

Fulgent Genetics
Classification: Uncertain significance for Bardet-Biedl syndrome 17. Last evaluated: 2022-03-18. Review status: criteria provided, single submitter. Criteria: ACMG Guidelines, 2015. Collection method: clinical testing. Allele origin: unknown.